The following is an entry in ClinVar:

NM_015114.3(ANKLE2):c.230C>T (p.Pro77Leu)

Gene: ANKLE2 (ankyrin repeat and LEM domain containing 2; minus strand). Cytogenetic location: 12q24.33.
Variant type: single nucleotide variant.
Coding change: c.230C>T on transcript NM_015114.3 (MANE Select); coding-DNA position 230, C replaced by T.
Protein change: p.Pro77Leu; replaces proline 77 with leucine.
Molecular consequence: missense variant.
Genome position (GRCh38, 1-based): chr12:132,755,085, G>A on the plus strand (C>T on the coding strand, the complement: ANKLE2 is on the minus strand). VCF-style: chr12-132755085-G-A. GRCh37 (hg19) VCF-style: chr12-133331671-G-A.
Other names: c.230C>T (NM_015114.1); short protein forms P77L.
Identifiers: ClinVar variation 1708699 (VCV001708699.3), dbSNP rs200115455, ClinGen allele CA6896022.

ClinVar aggregate classification (germline): Conflicting classifications of pathogenicity. Review status: criteria provided, conflicting classifications (1 of 4 stars). 2 submissions from 2 submitters: Uncertain significance (1); Likely benign (1). Last evaluated 2024-07-25.

Conditions:
Inborn genetic diseases. Identifiers: MedGen C0950123, MeSH D030342.

Allele frequency attached by ClinVar (database versions not stated): 1000 Genomes Project 30x 0.00016; ExAC 0.00018; 1000 Genomes Project 0.00020; TOPMed 0.00021; gnomAD 0.00023; ESP Exome Variant Server 0.00025; gnomAD exomes 0.00035.
gnomAD v4.1: 539 of 1,612,630 alleles (0.033%); highest among the groups gnomAD compares: Non-Finnish European, 0.041%; no homozygotes.

Submissions (2):

Ambry Genetics
Classification: Likely benign for Inborn genetic diseases. Last evaluated: 2024-07-25. Review status: criteria provided, single submitter. Criteria: Ambry Variant Classification Scheme 2023. Collection method: clinical testing. Allele origin: germline.

GeneDx
Classification: Uncertain significance. Last evaluated: 2022-09-30. Review status: criteria provided, single submitter. Criteria: GeneDx Variant Classification Process June 2021. Collection method: clinical testing. Allele origin: germline. Affected: yes.
Comment: In silico analysis supports that this missense variant has a deleterious effect on protein structure/function; Has not been previously published as pathogenic or benign to our knowledge